The following is an entry in ClinVar:

NM_014915.3(ANKRD26):c.3650G>A (p.Arg1217Lys)

Gene: ANKRD26 (ankyrin repeat domain containing 26; minus strand). Cytogenetic location: 10p12.1.
Variant type: single nucleotide variant.
Coding change: c.3650G>A on transcript NM_014915.3 (MANE Select); coding-DNA position 3650, G replaced by A.
Protein change: p.Arg1217Lys; replaces arginine 1217 with lysine.
Molecular consequence: missense variant.
Genome position (GRCh38, 1-based): chr10:27,034,800, C>T on the plus strand (G>A on the coding strand, the complement: ANKRD26 is on the minus strand). VCF-style: chr10-27034800-C-T. GRCh37 (hg19) VCF-style: chr10-27323729-C-T.
Other names: c.3647G>A, p.Arg1216Lys (NM_001256053.2); short protein forms R1216K, R1217K.
Identifiers: ClinVar variation 3867635 (VCV003867635.1).

ClinVar aggregate classification (germline): Uncertain significance (1 of 4 stars; one submission).

Conditions:
Inborn genetic diseases. Identifiers: MedGen C0950123, MeSH D030342.

gnomAD v4.1: 2 of 1,598,102 alleles (0.00013%); highest among the groups gnomAD compares: Non-Finnish European, 0.00017%; no homozygotes.

Submission:

Ambry Genetics
Classification: Uncertain significance for Inborn genetic diseases. Last evaluated: 2025-03-03. Review status: criteria provided, single submitter. Criteria: Ambry Variant Classification Scheme 2023. Collection method: clinical testing. Allele origin: germline.
Comment: The p.R1217K variant (also known as c.3650G>A), located in coding exon 24 of the ANKRD26 gene, results from a G to A substitution at nucleotide position 3650. The arginine at codon 1217 is replaced by lysine, an amino acid with highly similar properties. This amino acid position is conserved. In addition, this alteration is predicted to be tolerated by in silico analysis. Based on the available evidence, the clinical significance of this variant remains unclear.